The following is an entry in ClinVar:

NM_001134407.3(GRIN2A):c.733T>A (p.Ser245Thr)

Gene: GRIN2A (glutamate ionotropic receptor NMDA type subunit 2A; minus strand). Cytogenetic location: 16p13.2.
Variant type: single nucleotide variant.
Coding change: c.733T>A on transcript NM_001134407.3 (MANE Select); coding-DNA position 733, T replaced by A.
Protein change: p.Ser245Thr; replaces serine 245 with threonine.
Molecular consequence: missense variant.
Genome position (GRCh38, 1-based): chr16:9,938,233, A>T on the plus strand (T>A on the coding strand, the complement: GRIN2A is on the minus strand). VCF-style: chr16-9938233-A-T. GRCh37 (hg19) VCF-style: chr16-10032090-A-T.
Other names: c.733T>A, p.Ser245Thr (NM_000833.5, NM_001134408.2); short protein forms S245T.
Identifiers: ClinVar variation 4883166 (VCV004883166.2).

ClinVar aggregate classification (germline): Uncertain significance (1 of 4 stars; one submission).

Submission:

Dasa
Classification: Uncertain significance. Last evaluated: 2025-04-18. Review status: criteria provided, single submitter. Criteria: DASA Assertion Criteria. Collection method: clinical testing. Allele origin: germline.
Comment: NM_001134407.3(GRIN2A):c.733T>A (p.Ser245Thr) is a missense variant that results in the substitution of serine with threonine. This variant is absent from population databases. The currently available literature and clinical evidence are not sufficient to establish a definitive association between this variant and the reported condition. Therefore, this variant is classified as a variant of uncertain significance.